The following is an entry in ClinVar:

ClinVar aggregate classification (germline): Uncertain significance (1 of 4 stars; one submission).

Allele frequency attached by ClinVar (database versions not stated): gnomAD 0.00005; TOPMed 0.00006.
gnomAD v4.1: 82 of 1,580,724 alleles (0.0052%); highest among the groups gnomAD compares: Middle Eastern, 0.05%; no homozygotes.

Submission:

Labcorp Genetics (formerly Invitae), Labcorp
Classification: Uncertain significance. Last evaluated: 2022-07-24. Review status: criteria provided, single submitter. Criteria: Invitae Variant Classification Sherloc (09022015). Collection method: clinical testing. Allele origin: germline.
Comment: This sequence change replaces arginine, which is basic and polar, with leucine, which is neutral and non-polar, at codon 460 of the PAX1 protein (p.Arg460Leu). The frequency data for this variant in the population databases is considered unreliable, as metrics indicate poor data quality at this position in the gnomAD database. This variant has not been reported in the literature in individuals affected with PAX1-related conditions. Algorithms developed to predict the effect of missense changes on protein structure and function (SIFT, PolyPhen-2, Align-GVGD) all suggest that this variant is likely to be tolerated. In summary, the available evidence is currently insufficient to determine the role of this variant in disease. Therefore, it has been classified as a Variant of Uncertain Significance.

NM_001257096.2(PAX1):c.*15G>T

Gene: PAX1 (paired box 1; plus strand). Cytogenetic location: 20p11.22.
Variant type: single nucleotide variant.
Coding change: c.*15G>T on transcript NM_001257096.2 (MANE Select); 15 bases downstream of the stop codon, G replaced by T.
Molecular consequence: 3 prime UTR variant. On other transcripts: missense variant (1).
Genome position (GRCh38, 1-based): chr20:21,714,577, G>T. VCF-style: chr20-21714577-G-T. GRCh37 (hg19) VCF-style: chr20-21695215-G-T.
Other names: c.1379G>T, p.Arg460Leu (NM_006192.5); short protein forms R460L.
Identifiers: ClinVar variation 1967831 (VCV001967831.2), dbSNP rs762247909, ClinGen allele CA9786773.
Genomic context (GRCh38, chr20:21,714,577, plus strand): 5'-CCTCAGTAGCTTACACGGACTGCCCATCCCGGCCTCGACCTCCTAGGGGCAGCTCTCCCC[G>T]GACCCGAGCCCGGAGGGAACGGCAGGCGGACCCGGGCGCACAGGTCTGCGCGGCGGCCCC-3'